The following is an entry in ClinVar:

ClinVar aggregate classification (germline): Likely benign (1 of 4 stars; one submission).

Conditions:
EIF2AK4-related disorder. Also called: EIF2AK4-related condition.

gnomAD v4.1: 36 of 1,612,552 alleles (0.0022%); highest among the groups gnomAD compares: Middle Eastern, 0.033%; no homozygotes.

Submission:

PreventionGenetics, part of Exact Sciences
Classification: Likely benign for EIF2AK4-related condition. Last evaluated: 2024-12-07. Review status: criteria provided, single submitter. Criteria: ACMG Guidelines, 2015. Collection method: clinical testing. Allele origin: germline.
Comment: This variant is classified as likely benign based on ACMG/AMP sequence variant interpretation guidelines (Richards et al. 2015 PMID: 25741868, with internal and published modifications).

NM_001013703.4(EIF2AK4):c.1554-4C>T

Gene: EIF2AK4 (eukaryotic translation initiation factor 2 alpha kinase 4; plus strand). Cytogenetic location: 15q15.1.
Variant type: single nucleotide variant.
Coding change: c.1554-4C>T on transcript NM_001013703.4 (MANE Select); 4 bases into the intron before coding-DNA position 1554, C replaced by T.
Molecular consequence: intron variant.
Genome position (GRCh38, 1-based): chr15:39,972,904, C>T. VCF-style: chr15-39972904-C-T. GRCh37 (hg19) VCF-style: chr15-40265105-C-T.
Identifiers: ClinVar variation 4979302 (VCV004979302.1).